The following is an entry in ClinVar:

NM_000517.6(HBA2):c.45G>A (p.Trp15Ter)

Genes: HBA2 (hemoglobin subunit alpha 2; plus strand), LOC106804612 (hemoglobin subunit alpha 2 recombination region; plus strand). Cytogenetic location: 16p13.3.
Variant type: single nucleotide variant.
Coding change: c.45G>A on transcript NM_000517.6 (MANE Select); coding-DNA position 45, G replaced by A.
Protein change: p.Trp15Ter; replaces tryptophan 15 with a stop codon.
Molecular consequence: nonsense.
Genome position (GRCh38, 1-based): chr16:172,957, G>A. VCF-style: chr16-172957-G-A. GRCh37 (hg19) VCF-style: chr16-222956-G-A.
Other names: c.45G>A (NM_000517.5, NM_000517.4); short protein forms W15*.
Identifiers: ClinVar variation 1330495 (VCV001330495.12), dbSNP rs63750367, ClinGen allele CA393993038.

ClinVar aggregate classification (germline): Pathogenic/Likely pathogenic. Review status: criteria provided, multiple submitters, no conflicts (2 of 4 stars). 3 submissions from 3 submitters: Pathogenic (2); Likely pathogenic (1). Last evaluated 2026-01-20.

Conditions:
alpha Thalassemia. Also called: Alpha thalassemia spectrum. Identifiers: Orphanet 846, MedGen C0002312, MONDO:0011399, OMIM 604131.

Allele frequency attached by ClinVar (database versions not stated): gnomAD exomes 0.00001.
gnomAD v4.1: 2 of 387,994 alleles (0.00052%); highest among the groups gnomAD compares: African/African-American, 0.01%; no homozygotes.

Submissions (3):

Natera, Inc.
Classification: Likely pathogenic for Alpha thalassemia. Last evaluated: 2026-01-20. Review status: criteria provided, single submitter. Criteria: Natera Variant Classification Schema (03/2026). Collection method: clinical testing. Allele origin: germline.
Comment: The c.45G>A variant in HBA2 is a nonsense variant predicted to introduce a stop codon at amino acid 15. This variant is expected to result in nonsense mediated decay, truncation, or a dysfunctional protein product. This variant is rare in the general population with a frequency below the threshold expected for the associated phenotype(s). Given the available evidence, this variant is classified as Likely Pathogenic.

Quest Diagnostics Nichols Institute San Juan Capistrano
Classification: Pathogenic. Last evaluated: 2025-01-07. Review status: criteria provided, single submitter. Criteria: Quest Diagnostics criteria. Collection method: clinical testing. Allele origin: unknown.
Comment: The HBA2 c.45G>A (p.Trp15*) variant causes the premature termination of HBA2 protein synthesis. This variant has not been reported in individuals with HBA2-related conditions in the published literature. This variant has not been reported in large, multi-ethnic general populations (Genome Aggregation Database). Based on the available information, this variant is classified as pathogenic.

ARUP Laboratories, Molecular Genetics and Genomics, ARUP Laboratories
Classification: Pathogenic. Last evaluated: 2022-11-07. Review status: criteria provided, single submitter. Criteria: ARUP Molecular Germline Variant Investigation Process 2021. Collection method: clinical testing. Allele origin: germline.
Comment: The HBA2 c.45G>A; p.Trp15Ter variant (also known as Trp14Ter when numbered from the mature protein, HbVar ID: 2934), to our knowledge, is not reported in the medical literature but is reported in the HbVar database in individuals with alpha 2- thalassemia trait (see link to HbVar). This variant is absent from the Genome Aggregation Database, indicating it is not a common polymorphism. This variant induces an early termination codon and is predicted to result in a truncated protein or mRNA subject to nonsense-mediated decay. Based on available information, this variant is considered to be pathogenic. References: Link to HbVar